The following is an entry in ClinVar:

ClinVar aggregate classification (germline): Uncertain significance. Review status: criteria provided, multiple submitters, no conflicts (2 of 4 stars). 2 submissions from 2 submitters: Uncertain significance (2). Last evaluated 2026-01-16.

Conditions:
RIPOR2-related disorder. Also called: RIPOR2-related condition.

gnomAD v4.1: 65 of 1,613,712 alleles (0.004%); highest among the groups gnomAD compares: Non-Finnish European, 0.0052%; no homozygotes.

Submissions (2):

PreventionGenetics, part of Exact Sciences
Classification: Uncertain significance for RIPOR2-related condition. Last evaluated: 2026-01-16. Review status: criteria provided, single submitter. Criteria: ACMG Guidelines, 2015. Collection method: clinical testing. Allele origin: germline.
Comment: The RIPOR2 c.698G>A variant is predicted to result in the amino acid substitution p.Arg233Gln. To our knowledge, this variant has not been reported in the literature. This variant is reported in 0.0062% of alleles in individuals of European (Non-Finnish) descent in gnomAD. At this time, the clinical significance of this variant is uncertain due to the absence of conclusive functional and genetic evidence.

GeneDx
Classification: Uncertain significance. Last evaluated: 2023-12-04. Review status: criteria provided, single submitter. Criteria: GeneDx Variant Classification Process June 2021. Collection method: clinical testing. Allele origin: germline. Affected: yes.
Comment: Not observed at significant frequency in large population cohorts (gnomAD); In silico analysis supports that this missense variant has a deleterious effect on protein structure/function; Has not been previously published as pathogenic or benign to our knowledge; Variants in candidate genes are classified as variants of uncertain significance in accordance with ACMG guidelines (PMID: 25741868)

NM_001286445.3(RIPOR2):c.785G>A (p.Arg262Gln)

Gene: RIPOR2 (RHO family interacting cell polarization regulator 2; minus strand). Cytogenetic location: 6p22.3.
Variant type: single nucleotide variant.
Coding change: c.785G>A on transcript NM_001286445.3 (MANE Select); coding-DNA position 785, G replaced by A.
Protein change: p.Arg262Gln; replaces arginine 262 with glutamine.
Molecular consequence: missense variant.
Genome position (GRCh38, 1-based): chr6:24,850,697, C>T on the plus strand (G>A on the coding strand, the complement: RIPOR2 is on the minus strand). VCF-style: chr6-24850697-C-T. GRCh37 (hg19) VCF-style: chr6-24850925-C-T.
Other names: c.800G>A, p.Arg267Gln (NM_001286446.3); c.698G>A, p.Arg233Gln (NM_001286447.2, NM_001346031.2, NM_001346032.2 and 2 more transcripts); c.698G>A (NM_014722.4); short protein forms R233Q, R262Q, R267Q.
Identifiers: ClinVar variation 3364842 (VCV003364842.2).